The following is an entry in ClinVar:

NM_031844.3(HNRNPU):c.2425C>T (p.Gln809Ter)

Gene: HNRNPU (heterogeneous nuclear ribonucleoprotein U; minus strand). Cytogenetic location: 1q44.
Variant type: single nucleotide variant.
Coding change: c.2425C>T on transcript NM_031844.3 (MANE Select); coding-DNA position 2425, C replaced by T.
Protein change: p.Gln809Ter; replaces glutamine 809 with a stop codon.
Molecular consequence: nonsense.
Genome position (GRCh38, 1-based): chr1:244,854,503, G>A on the plus strand (C>T on the coding strand, the complement: HNRNPU is on the minus strand). VCF-style: chr1-244854503-G-A. GRCh37 (hg19) VCF-style: chr1-245017805-G-A.
Other names: c.2368C>T, p.Gln790Ter (NM_004501.3); short protein forms Q790*, Q809*.
Identifiers: ClinVar variation 4855126 (VCV004855126.1).

ClinVar aggregate classification (germline): Uncertain significance (1 of 4 stars; one submission).

Conditions:
Developmental and epileptic encephalopathy, 54. Also called: Epileptic encephalopathy, early infantile, 54; HNRNPU-Related Neurodevelopmental Disorder. Identifiers: MedGen C4479319, MONDO:0033363, OMIM 617391.

Submission:

3billion
Classification: Uncertain significance for Developmental and epileptic encephalopathy, 54. Last evaluated: 2025-12-01. Review status: criteria provided, single submitter. Criteria: ACMG Guidelines, 2015. Collection method: clinical testing. Allele origin: germline. Affected: yes.
Comment: The variant is not observed in the gnomAD v4.1.0 dataset. Predicted Consequence/Location: Stop-gained (nonsense): predicted to result in a loss or disruption of normal protein function through protein truncation. The predicted truncated protein may be shortened by less than 10%. Therefore, this variant is classified as VUS according to the recommendation of ACMG/AMP guideline.